The following is an entry in ClinVar:

NM_000152.5(GAA):c.868A>G (p.Asn290Asp)

Gene: GAA (alpha glucosidase; plus strand). Cytogenetic location: 17q25.3.
Variant type: single nucleotide variant.
Coding change: c.868A>G on transcript NM_000152.5 (MANE Select); coding-DNA position 868, A replaced by G.
Protein change: p.Asn290Asp; replaces asparagine 290 with aspartic acid.
Molecular consequence: missense variant.
Genome position (GRCh38, 1-based): chr17:80,107,809, A>G. VCF-style: chr17-80107809-A-G. GRCh37 (hg19) VCF-style: chr17-78081608-A-G.
Other names: p.Asn290Asp; NM_000152.5(GAA):c.868A>G; c.868A>G (LRG_673t1); c.868A>G, p.Asn290Asp (NM_001079804.3, NM_001079803.3); short protein forms N290D.
Identifiers: ClinVar variation 498117 (VCV000498117.30), dbSNP rs552929702, ClinGen allele CA8815078.

ClinVar aggregate classification (germline): Uncertain significance. Review status: reviewed by expert panel (3 of 4 stars). 11 submissions from 11 submitters: Uncertain significance (1). 10 of the submissions do not count toward it. Last evaluated 2024-04-16.

Conditions:
Glycogen storage disease, type II (IOPD). Also called: Glucosidase acid-1,4-alpha deficiency; CARDIOMEGALIA GLYCOGENICA DIFFUSA; Glycogen storage disease type 2; Acid maltase deficiency disease; Aglucosidase alfa; Deficiency of alpha-glucosidase. Identifiers: Orphanet 365, MedGen C0017921, MONDO:0009290, OMIM 232300.

Allele frequency attached by ClinVar (database versions not stated): gnomAD exomes below 0.00001 and 0.00002; ExAC 0.00001; TOPMed 0.00001; gnomAD 0.00002 and 0.00003; 1000 Genomes Project 30x 0.00031; 1000 Genomes Project 0.00040.
gnomAD v4.1: 37 of 1,611,730 alleles (0.0023%); highest among the groups gnomAD compares: African/African-American, 0.036%; 2 homozygotes.

Submissions (11):

ClinGen Lysosomal Storage Disorder Variant Curation Expert Panel
Classification: Uncertain significance for Glycogen storage disease, type II. Last evaluated: 2024-04-16. Review status: reviewed by expert panel. Criteria: clingen_lsd_acmg_specifications_v2-1. Collection method: curation. Allele origin: germline. Inheritance: Autosomal recessive inheritance.
Comment: The NM_000152.5:c.868A>G variant in GAA is predicted to result in the substitution of asparagine by aspartate at amino acid 290 (p.Asn290Asp). It has been identified in six individuals by newborn screening, none with clinical features consistent with Pompe disease (PMID: 32064362, 37414610; Essawi et al. 2021, Egypt J Med Hum Genet 22:87). Four of these individuals are homozygous for the variant and have African ancestry (PMID: 37414610), and two patients are compound heterozygous for the variant and a variant that has been classified as pathogenic by the ClinGen Lysosomal Diseases VCEP, either c.2105G>A (p.Arg702His), phase unconfirmed, (ClinVar Variation ID: 426278, SCV004809068.1) (PMID: 32064362) or c.2238G>C (p.Trp746Cys) (ClinVar Variation ID: 265160, SCV002032122.1). In the latter, patient, the variants were confirmed to be in trans, and the father, who was described as "completely normal" but with reduced GAA activity, is homozygous for c.868A>G (p.Asn290Asp). Additional cases have been reported (PMID: 22644586, 33073007) but the second variant and clinical details were not provided. Due to the lack of evidence for clinical symptoms in the patients with this variant, PP4 and PM3 were not applied. The highest population minor allele frequency in gnomAD v2.1.1. is 0.00004 (1/24356, no homozygotes) in the African population, which is lower than the ClinGen Lysosomal Diseases VCEP's threshold (<0.001) for PM2_Supporting, meeting this criterion (PM2_Supporting). When expressed in COS cells, this variant was classified as Class E ("presumably nonpathogenic") by Kroos et al, 2012 (PMID:22644586). This includes 71% GAA activity in cells and 38% in medium, with synthesis and processing on Western blot (BS3_Supporting). The computational predictor REVEL gives a score of 0.561 which is neither above nor below the thresholds predicting a damaging (>0.7) or benign (<0.5) impact on GAA function. There is a ClinVar entry for this variant (Variation ID: 498117). In summary, this variant meets the criteria to be classified as a variant of uncertain significance for Pompe disease. The classification was first approved by the ClinGen Lysosomal Diseases Variant Curation Expert Panel on October 21, 2022. Since then, the data for this variant have been re-evaluated and new data have been included but the classification remains the same. The classification of variant of uncertain significance was reapproved on April 16, 2024. GAA-specific ACMG/AMP criteria met, as specified by the ClinGen Lysosomal Diseases Variant Curation Expert Panel (Specifications Version 2.0): PM2_Supporting, BS3_Supporting.

Genomenon, Inc
Classification: Uncertain significance for Glycogen storage disease, type II. Last evaluated: 2026-07-01. Review status: criteria provided, single submitter. Criteria: Genomenon Sequence Variant Interpretation Standards - Updated. Collection method: curation. Allele origin: germline. Affected: yes. Not counted in ClinVar's aggregate classification.
Comment: GAA p.Asn290Asp (c.868A>G) is a missense variant that changes the amino acid at codon 290 from Asparagine to Aspartic acid. This variant has been observed in at least one proband with a GAA-related disorder in the compound heterozygous and/or homozygous state (PMID:32064362;37414610). Well-established functional studies show no damaging effect of this variant on protein function, supporting a benign classification (PMID:22644586). It is absent or not present at a significant frequency in gnomAD. In conclusion, we classify GAA p.Asn290Asp (c.868A>G) as a variant of uncertain significance.

Labcorp Genetics (formerly Invitae), Labcorp
Classification: Pathogenic for Glycogen storage disease, type II. Last evaluated: 2025-12-24. Review status: criteria provided, single submitter. Criteria: Invitae Variant Classification Sherloc (09022015). Collection method: clinical testing. Allele origin: germline. Not counted in ClinVar's aggregate classification.
Comment: This sequence change replaces asparagine, which is neutral and polar, with aspartic acid, which is acidic and polar, at codon 290 of the GAA protein (p.Asn290Asp). This variant is present in population databases (rs552929702, gnomAD 0.004%), including at least one homozygous and/or hemizygous individual. To date, this missense change has only been observed in individual(s) with abnormal newborn screening for Pompe disease (PMID: 32064362; internal data). In at least one individual the data is consistent with being in trans (on the opposite chromosome) from a pathogenic variant. ClinVar contains an entry for this variant (Variation ID: 498117). Invitae Evidence Modeling of protein sequence and biophysical properties (such as structural, functional, and spatial information, amino acid conservation, physicochemical variation, residue mobility, and thermodynamic stability) indicates that this missense variant is expected to disrupt GAA protein function with a positive predictive value of 95%. This variant disrupts the p.Asn290 amino acid residue in GAA. Other variant(s) that disrupt this residue have been observed in individuals with GAA-related conditions (PMID: 22081099; internal data), which suggests that this may be a clinically significant amino acid residue. For these reasons, this variant has been classified as Pathogenic.

GeneDx
Classification: Uncertain significance. Last evaluated: 2025-12-12. Review status: criteria provided, single submitter. Criteria: GeneDx Variant Classification Process June 2021. Collection method: clinical testing. Allele origin: germline. Not counted in ClinVar's aggregate classification.
Comment: In silico analysis supports that this missense variant has a deleterious effect on protein structure/function; Not observed at significant frequency in large population cohorts (gnomAD); This variant is associated with the following publications: (PMID: 32064362, 37414610, 22644586, Essawi2021, 40225932, 19343043, 22253258, 33073007, 37492102)

Women's Health and Genetics/Laboratory Corporation of America, LabCorp
Classification: Pathogenic for Glycogen storage disease, type II. Last evaluated: 2025-06-05. Review status: criteria provided, single submitter. Criteria: LabCorp Variant Classification Summary - May 2015. Collection method: clinical testing. Allele origin: germline. Not counted in ClinVar's aggregate classification.
Comment: Variant summary: GAA c.868A>G (p.Asn290Asp) results in a conservative amino acid change located in the Glycoside hydrosylase family 31, N-terminal domain (IPR025887) of the encoded protein sequence. Algorithms developed to predict the effect of missense changes on protein structure and function are either unavailable or do not agree on the potential impact of this missense change. The variant allele was found at a frequency of 4.1e-06 in 245126 control chromosomes. c.868A>G has been observed in multiple individuals affected with Glycogen Storage Disease, Type 2 (Pompe Disease) (example: Hall_2020, internal data). These data indicate that the variant is very likely to be associated with disease. The following publications has been ascertained in the context of this evaluation (PMID: 32064362). ClinVar contains an entry for this variant (Variation ID: 498117). Based on the evidence outlined above, the variant was classified as pathogenic.

Blueprint Genetics
Classification: Uncertain significance. Last evaluated: 2024-07-23. Review status: criteria provided, single submitter. Criteria: ACMG Guidelines, 2015. Collection method: clinical testing. Allele origin: germline. Not counted in ClinVar's aggregate classification.

Revvity Omics, Revvity
Classification: Uncertain significance. Last evaluated: 2024-04-11. Review status: criteria provided, single submitter. Criteria: ACMG Guidelines, 2015. Collection method: clinical testing. Allele origin: germline. Not counted in ClinVar's aggregate classification.

Mayo Clinic Laboratories, Mayo Clinic
Classification: Uncertain significance. Last evaluated: 2022-10-11. Review status: criteria provided, single submitter. Criteria: ACMG Guidelines, 2015. Collection method: clinical testing. Allele origin: germline. Observed: 2 variant alleles. Not counted in ClinVar's aggregate classification.
Comment: PM2

Genome-Nilou Lab
Classification: Uncertain significance for Glycogen storage disease, type II. Last evaluated: 2021-09-05. Review status: criteria provided, single submitter. Criteria: ACMG Guidelines, 2015. Collection method: clinical testing. Allele origin: germline. Affected: no. Not counted in ClinVar's aggregate classification.

Eurofins Ntd Llc (ga)
Classification: Uncertain significance. Last evaluated: 2018-01-30. Review status: criteria provided, single submitter. Criteria: EGL Classification Definitions 2015. Collection method: clinical testing. Allele origin: germline. Observed: 4 variant alleles, 4 heterozygotes. Not counted in ClinVar's aggregate classification.

Natera, Inc.
Classification: Uncertain significance for Glycogen storage disease type II. Last evaluated: 2020-02-13. Review status: no assertion criteria provided. Collection method: clinical testing. Allele origin: germline. Not counted in ClinVar's aggregate classification.

Literature cited by the submitters: PubMed 32064362 (cited by 4 submitters); PubMed 37414610 (cited by Genomenon, Inc); PubMed 22644586 (cited by Genomenon, Inc and Mayo Clinic Laboratories, Mayo Clinic); PubMed 22081099 (cited by Labcorp Genetics (formerly Invitae), Labcorp); PubMed 33073007 (cited by Mayo Clinic Laboratories, Mayo Clinic).